The following is an entry in ClinVar:

ClinVar aggregate classification (germline): Uncertain significance (1 of 4 stars; one submission).

Submission:

Labcorp Genetics (formerly Invitae), Labcorp
Classification: Uncertain significance. Last evaluated: 2024-07-06. Review status: criteria provided, single submitter. Criteria: Invitae Variant Classification Sherloc (09022015). Collection method: clinical testing. Allele origin: germline.
Comment: This sequence change replaces glutamine, which is neutral and polar, with histidine, which is basic and polar, at codon 269 of the ARID1A protein (p.Gln269His). This variant is not present in population databases (gnomAD no frequency). This variant has not been reported in the literature in individuals affected with ARID1A-related conditions. Advanced modeling of protein sequence and biophysical properties (such as structural, functional, and spatial information, amino acid conservation, physicochemical variation, residue mobility, and thermodynamic stability) performed at Invitae indicates that this missense variant is not expected to disrupt ARID1A protein function with a negative predictive value of 95%. In summary, the available evidence is currently insufficient to determine the role of this variant in disease. Therefore, it has been classified as a Variant of Uncertain Significance.

NM_006015.6(ARID1A):c.807G>T (p.Gln269His)

Genes: ARID1A (AT-rich interaction domain 1A; plus strand), LOC129929837 (ATAC-STARR-seq lymphoblastoid silent region 489; plus strand). Cytogenetic location: 1p36.11.
Variant type: single nucleotide variant.
Coding change: c.807G>T on transcript NM_006015.6 (MANE Select); coding-DNA position 807, G replaced by T.
Protein change: p.Gln269His; replaces glutamine 269 with histidine.
Molecular consequence: missense variant.
Genome position (GRCh38, 1-based): chr1:26,697,210, G>T. VCF-style: chr1-26697210-G-T. GRCh37 (hg19) VCF-style: chr1-27023701-G-T.
Other names: c.807G>T, p.Gln269His (NM_139135.4); short protein forms Q269H.
Identifiers: ClinVar variation 3683844 (VCV003683844.2).